The following is an entry in ClinVar:

NM_000329.3(RPE65):c.310G>A (p.Gly104Ser)

Gene: RPE65 (retinoid isomerohydrolase RPE65; minus strand). Cytogenetic location: 1p31.3.
Variant type: single nucleotide variant.
Coding change: c.310G>A on transcript NM_000329.3 (MANE Select); coding-DNA position 310, G replaced by A.
Protein change: p.Gly104Ser; replaces glycine 104 with serine.
Molecular consequence: missense variant.
Genome position (GRCh38, 1-based): chr1:68,444,819, C>T on the plus strand (G>A on the coding strand, the complement: RPE65 is on the minus strand). VCF-style: chr1-68444819-C-T. GRCh37 (hg19) VCF-style: chr1-68910502-C-T.
Other names: c.34G>A, p.Gly12Ser (NM_001406856.1, NM_001406857.1); c.310G>A, p.Gly104Ser (NM_001406859.1, NM_001406860.1); c.310G>A (NM_000329.2); short protein forms G104S, G12S.
Identifiers: ClinVar variation 2202770 (VCV002202770.8), dbSNP rs767478543, ClinGen allele CA902547.
Genomic context (GRCh38, chr1:68,444,819, plus strand): 5'-AGTTTGGGTTCAGTAACCTGGAAAATATATTCTTGCAGGGATCTGGGAAAGCACAGGTGC[C>T]AAATTCTGTTATGACGATCCTTTTCTCAGTCATTGCCCGTACGTAAGCATCAGTGCGGAT-3'
Protein context (NP_000320.1, residues 94-114): TEKRIVITEF[Gly104Ser]TCAFPDPCKN

ClinVar aggregate classification (germline): Pathogenic/Likely pathogenic. Review status: criteria provided, multiple submitters, no conflicts (2 of 4 stars). 5 submissions from 5 submitters: Pathogenic (4); Likely pathogenic (1). Last evaluated 2025-11-17.

Conditions:
RPE65-related disorder. Also called: RPE65-related condition; RPE65-related disorders. Identifiers: MedGen CN239301.
Leber congenital amaurosis (LCA). Also called: Leber's amaurosis. Identifiers: Orphanet 65, MedGen C0339527, MeSH D057130, MONDO:0018998.
Leber congenital amaurosis 2 (LCA2). Also called: AMAUROSIS CONGENITA OF LEBER II; Autosomal Recessive RPE65-Related Retinal Degeneration. Identifiers: Orphanet 65, MedGen C1859844, MONDO:0008765, OMIM 204100. Disease mechanism: loss of function.
Retinitis pigmentosa 20 (RP20). Identifiers: Orphanet 791, MedGen C3151086, MONDO:0013425, OMIM 613794.

Allele frequency attached by ClinVar (database versions not stated): gnomAD exomes below 0.00001; ExAC 0.00001.
gnomAD v4.1: 1 of 1,614,062 alleles (0.000062%); highest among the groups gnomAD compares: Admixed American, 0.0017%; no homozygotes.

Submissions (5):

Natera, Inc.
Classification: Likely pathogenic for Leber congenital amaurosis. Last evaluated: 2025-11-17. Review status: criteria provided, single submitter. Criteria: Natera Variant Classification Schema (03/2026). Collection method: clinical testing. Allele origin: germline.
Comment: The c.310G>A variant in RPE65 is a missense variant predicted to cause substitution of glycine to serine at amino acid 104. This variant is rare in the general population with a frequency below the threshold expected for the associated phenotype(s). This variant has been observed in one or more individuals affected with the associated recessive disease, as either homozygous or compound heterozygous with a second variant (PMID: 30268864, 33090715, 33952291). Functional studies show that this variant may disrupt protein function (PMID: 31580392). A different variant at the same position has been determined to be Pathogenic or Likely Pathogenic. Computational prediction algorithms indicate this variant is likely to affect gene or protein function. Given the available evidence, this variant is classified as Likely Pathogenic.

Women's Health and Genetics/Laboratory Corporation of America, LabCorp
Classification: Pathogenic for Leber congenital amaurosis. Last evaluated: 2024-12-27. Review status: criteria provided, single submitter. Criteria: LabCorp Variant Classification Summary - May 2015. Collection method: clinical testing. Allele origin: germline.
Comment: Variant summary: RPE65 c.310G>A (p.Gly104Ser) results in a non-conservative amino acid change in the encoded protein sequence. Four of five in-silico tools predict a damaging effect of the variant on protein function. The variant allele was found at a frequency of 4e-06 in 251362 control chromosomes. c.310G>A has been reported in the literature in individuals affected with Leber Congenital Amaurosis. These data indicate that the variant is likely to be associated with disease. At least one publication reports experimental evidence evaluating an impact on protein function. The most pronounced variant effect results in <10% of normal activity. The following publications have been ascertained in the context of this evaluation (PMID: 30268864, 26667666, 33090715, 31580392). ClinVar contains an entry for this variant (Variation ID: 2202770). Based on the evidence outlined above, the variant was classified as pathogenic.

Labcorp Genetics (formerly Invitae), Labcorp
Classification: Pathogenic for Leber congenital amaurosis 2; Retinitis pigmentosa 20. Last evaluated: 2024-12-02. Review status: criteria provided, single submitter. Criteria: Invitae Variant Classification Sherloc (09022015). Collection method: clinical testing. Allele origin: germline.
Comment: This sequence change replaces glycine, which is neutral and non-polar, with serine, which is neutral and polar, at codon 104 of the RPE65 protein (p.Gly104Ser). This variant is present in population databases (rs767478543, gnomAD 0.003%). This missense change has been observed in individual(s) with autosomal recessive RPE65-related conditions (PMID: 26667666, 30268864, 33090715; internal data). In at least one individual the data is consistent with being in trans (on the opposite chromosome) from a pathogenic variant. ClinVar contains an entry for this variant (Variation ID: 2202770). Invitae Evidence Modeling of protein sequence and biophysical properties (such as structural, functional, and spatial information, amino acid conservation, physicochemical variation, residue mobility, and thermodynamic stability) indicates that this missense variant is not expected to disrupt RPE65 protein function with a negative predictive value of 80%. Algorithms developed to predict the effect of sequence changes on RNA splicing suggest that this variant may disrupt the consensus splice site. This variant disrupts the p.Gly104 amino acid residue in RPE65. Other variant(s) that disrupt this residue have been observed in individuals with RPE65-related conditions (PMID: 19117922, 25356976, 26355662, 28945494), which suggests that this may be a clinically significant amino acid residue. For these reasons, this variant has been classified as Pathogenic.

Baylor Genetics
Classification: Pathogenic for Leber congenital amaurosis 2. Last evaluated: 2023-07-21. Review status: criteria provided, single submitter. Criteria: ACMG Guidelines, 2015. Collection method: clinical testing. Allele origin: unknown.

Blueprint Genetics
Classification: Pathogenic for RPE65-related disorders. Last evaluated: 2021-11-07. Review status: criteria provided, single submitter. Criteria: ACMG Guidelines, 2015. Collection method: clinical testing. Allele origin: germline. Affected: yes. Observed: 1 variant allele.

Literature cited by the submitters: PubMed 30268864 (cited by 3 submitters); PubMed 33090715 (cited by 3 submitters); PubMed 33952291 (cited by Natera, Inc.); PubMed 31580392 (cited by Natera, Inc. and Women's Health and Genetics/Laboratory Corporation of America, LabCorp); PubMed 26667666 (cited by Women's Health and Genetics/Laboratory Corporation of America, LabCorp and Labcorp Genetics (formerly Invitae), Labcorp); PubMed 19117922 (cited by Labcorp Genetics (formerly Invitae), Labcorp); PubMed 25356976 (cited by Labcorp Genetics (formerly Invitae), Labcorp); PubMed 26355662 (cited by Labcorp Genetics (formerly Invitae), Labcorp); PubMed 28945494 (cited by Labcorp Genetics (formerly Invitae), Labcorp).